The following is an entry in ClinVar:

NM_000384.3(APOB):c.6540del (p.Gln2180fs)

Gene: APOB (apolipoprotein B; minus strand). Cytogenetic location: 2p24.1.
Variant type: Deletion.
Coding change: c.6540del on transcript NM_000384.3 (MANE Select); coding-DNA position 6540, one base deleted (A; older notation c.6540delA).
Protein change: p.Gln2180fs; shifts the reading frame from glutamine 2180.
Molecular consequence: frameshift variant.
Genome position (GRCh38, 1-based): chr2:21,010,328, T deleted on the plus strand (A on the coding strand, the reverse complement: APOB is on the minus strand); the first of 2 consecutive T bases (chr2:21,010,328-21,010,329); deleting either gives the same sequence. VCF-style (leftmost placement, unchanged base first): chr2-21010327-AT-A. GRCh37 (hg19) VCF-style: chr2-21233199-AT-A.
Other names: short protein forms Q2180fs.
Identifiers: ClinVar variation 1939251 (VCV001939251.5), dbSNP rs2465371313, ClinGen allele CA2580065002.

ClinVar aggregate classification (germline): Pathogenic (1 of 4 stars; one submission).

Conditions:
Familial hypobetalipoproteinemia 1. Also called: Hypobetalipoproteinemia, normotriglyceridemic; Acanthocytosis with hypobetalipoproteinemia; APOB-Related Familial Hypobetalipoproteinemia. Identifiers: MedGen C4551990, MONDO:0014252, OMIM 615558.
Hypercholesterolemia, autosomal dominant, type B (FHCL2). Also called: APOB-Related Familial Hypercholesterolemia, Autosomal Dominant; Familial Hypercholesterolemia Type B; APOLIPOPROTEIN B-100, FAMILIAL DEFECTIVE; APOLIPOPROTEIN B-100, FAMILIAL LIGAND-DEFECTIVE; HYPERCHOLESTEROLEMIA, FAMILIAL, DUE TO LIGAND-DEFECTIVE APOLIPOPROTEIN B; Familial hypercholesterolemia 2. Identifiers: MedGen C1704417, MONDO:0007751, OMIM 144010.

Submission:

Labcorp Genetics (formerly Invitae), Labcorp
Classification: Pathogenic for Familial hypobetalipoproteinemia 1; Hypercholesterolemia, autosomal dominant, type B. Last evaluated: 2022-04-10. Review status: criteria provided, single submitter. Criteria: Invitae Variant Classification Sherloc (09022015). Collection method: clinical testing. Allele origin: germline.
Comment: This sequence change creates a premature translational stop signal (p.Gln2180Hisfs*15) in the APOB gene. It is expected to result in an absent or disrupted protein product. Loss-of-function variants in APOB are known to be pathogenic (PMID: 20032471). This variant is not present in population databases (gnomAD no frequency). This variant has not been reported in the literature in individuals affected with APOB-related conditions. For these reasons, this variant has been classified as Pathogenic.

Literature cited by the submitters: PubMed 20032471.